The following is an entry in ClinVar:

ClinVar aggregate classification (germline): Uncertain significance (1 of 4 stars; one submission).

Conditions:
Inborn genetic diseases. Identifiers: MedGen C0950123, MeSH D030342.

gnomAD v4.1: 2 of 1,613,102 alleles (0.00012%); highest among the groups gnomAD compares: Non-Finnish European, 0.00017%; no homozygotes.

Submission:

Ambry Genetics
Classification: Uncertain significance for Inborn genetic diseases. Last evaluated: 2025-05-15. Review status: criteria provided, single submitter. Criteria: Ambry Variant Classification Scheme 2023. Collection method: clinical testing. Allele origin: germline.
Comment: The p.Q1113R variant (also known as c.3338A>G), located in coding exon 24 of the ANKRD26 gene, results from an A to G substitution at nucleotide position 3338. The glutamine at codon 1113 is replaced by arginine, an amino acid with highly similar properties. This amino acid position is conserved. In addition, this alteration is predicted to be tolerated by in silico analysis. Based on the available evidence, the clinical significance of this variant remains unclear.

NM_014915.3(ANKRD26):c.3338A>G (p.Gln1113Arg)

Gene: ANKRD26 (ankyrin repeat domain containing 26; minus strand). Cytogenetic location: 10p12.1.
Variant type: single nucleotide variant.
Coding change: c.3338A>G on transcript NM_014915.3 (MANE Select); coding-DNA position 3338, A replaced by G.
Protein change: p.Gln1113Arg; replaces glutamine 1113 with arginine.
Molecular consequence: missense variant.
Genome position (GRCh38, 1-based): chr10:27,035,112, T>C on the plus strand (A>G on the coding strand, the complement: ANKRD26 is on the minus strand). VCF-style: chr10-27035112-T-C. GRCh37 (hg19) VCF-style: chr10-27324041-T-C.
Other names: c.3335A>G, p.Gln1112Arg (NM_001256053.2); short protein forms Q1112R, Q1113R.
Identifiers: ClinVar variation 3914430 (VCV003914430.1).